The following is an entry in ClinVar:

NM_015139.3(SLC35D1):c.526G>T (p.Ala176Ser)

Gene: SLC35D1 (solute carrier family 35 member D1; minus strand). Cytogenetic location: 1p31.3.
Variant type: single nucleotide variant.
Coding change: c.526G>T on transcript NM_015139.3 (MANE Select); coding-DNA position 526, G replaced by T.
Protein change: p.Ala176Ser; replaces alanine 176 with serine.
Molecular consequence: missense variant.
Genome position (GRCh38, 1-based): chr1:67,049,789, C>A on the plus strand (G>T on the coding strand, the complement: SLC35D1 is on the minus strand). VCF-style: chr1-67049789-C-A. GRCh37 (hg19) VCF-style: chr1-67515472-C-A.
Other names: short protein forms A176S.
Identifiers: ClinVar variation 845566 (VCV000845566.1), dbSNP rs368016786, ClinGen allele CA898993.
Genomic context (GRCh38, chr1:67,049,789, plus strand): 5'-TATCAATAATTATTGACAATTTATAATGTGCTAGTCATAGGCCCACATCTTACCTGGCAG[C>A]TACAAAGGCTCCAATAATCATTGCAAATACAGTCATTTTAATACCCCAAGAAAAAGTCTT-3'
Protein context (NP_055954.1, residues 166-186): VFAMIIGAFV[Ala176Ser]ASSDLAFDLE

ClinVar aggregate classification (germline): Uncertain significance (1 of 4 stars; one submission).

Conditions:
Schneckenbecken dysplasia. Identifiers: Orphanet 3144, MedGen C0432194, MONDO:0010013, OMIM 269250.

Allele frequency attached by ClinVar (database versions not stated): gnomAD exomes below 0.00001; ExAC 0.00001; TOPMed 0.00001; ESP Exome Variant Server 0.00008.

Submission:

Labcorp Genetics (formerly Invitae), Labcorp
Classification: Uncertain significance for Schneckenbecken dysplasia. Last evaluated: 2019-03-18. Review status: criteria provided, single submitter. Criteria: Invitae Variant Classification Sherloc (09022015). Collection method: clinical testing. Allele origin: germline.
Comment: This sequence change replaces alanine with serine at codon 176 of the SLC35D1 protein (p.Ala176Ser). The alanine residue is highly conserved and there is a moderate physicochemical difference between alanine and serine. This variant is present in population databases (rs368016786, ExAC 0.002%). This variant has not been reported in the literature in individuals with SLC35D1-related conditions. Algorithms developed to predict the effect of missense changes on protein structure and function (SIFT, PolyPhen-2, Align-GVGD) all suggest that this variant is likely to be disruptive, but these predictions have not been confirmed by published functional studies and their clinical significance is uncertain. In summary, the available evidence is currently insufficient to determine the role of this variant in disease. Therefore, it has been classified as a Variant of Uncertain Significance.